The following is an entry in ClinVar:

NM_000059.4(BRCA2):c.1637G>A (p.Cys546Tyr)

Gene: BRCA2 (BRCA2 DNA repair associated; plus strand). Cytogenetic location: 13q13.1.
Variant type: single nucleotide variant.
Coding change: c.1637G>A on transcript NM_000059.4 (MANE Select); coding-DNA position 1637, G replaced by A.
Protein change: p.Cys546Tyr; replaces cysteine 546 with tyrosine.
Molecular consequence: missense variant.
Genome position (GRCh38, 1-based): chr13:32,333,115, G>A. VCF-style: chr13-32333115-G-A. GRCh37 (hg19) VCF-style: chr13-32907252-G-A.
Other names: short protein forms C546Y.
Identifiers: ClinVar variation 1385953 (VCV001385953.9), dbSNP rs2137473440, ClinGen allele CA387764948.

ClinVar aggregate classification (germline): Conflicting classifications of pathogenicity. Review status: criteria provided, conflicting classifications (1 of 4 stars). 2 submissions from 2 submitters: Uncertain significance (1); Likely benign (1). Last evaluated 2023-03-23.

Conditions:
Hereditary cancer-predisposing syndrome. Also called: Neoplastic Syndromes, Hereditary; Tumor predisposition; Hereditary neoplastic syndrome; Hereditary Cancer Syndrome. Identifiers: Orphanet 140162, MedGen C0027672, MeSH D009386, MONDO:0015356.
Hereditary breast ovarian cancer syndrome. Also called: Hereditary breast and ovarian cancer syndrome; Hereditary breast and ovarian cancer; BRCA1- and BRCA2-Associated Hereditary Breast and Ovarian Cancer; Hereditary breast and/or ovarian cancer syndrome; Hereditary breast and ovarian cancer syndrome (HBOC); Breast and ovarian cancer. Identifiers: Orphanet 145, MedGen C0677776, MeSH D061325, MONDO:0003582. Disease mechanism: loss of function.

Submissions (2):

University of Washington Department of Laboratory Medicine, University of Washington
Classification: Likely benign for Hereditary cancer-predisposing syndrome. Last evaluated: 2023-03-23. Review status: criteria provided, single submitter. Criteria: Dines et al. (Genet Med. 2020). Collection method: curation. Allele origin: germline.
Comment: Missense variant in a coldspot region where missense variants are very unlikely to be pathogenic (PMID:31911673).

BRCA2 exon 10 coldspot. Reclassification based on statistical prior probability.

Labcorp Genetics (formerly Invitae), Labcorp
Classification: Uncertain significance for Hereditary breast ovarian cancer syndrome. Last evaluated: 2021-04-08. Review status: criteria provided, single submitter. Criteria: Invitae Variant Classification Sherloc (09022015). Collection method: clinical testing. Allele origin: germline.
Comment: In summary, the available evidence is currently insufficient to determine the role of this variant in disease. Therefore, it has been classified as a Variant of Uncertain Significance. Advanced modeling of protein sequence and biophysical properties (such as structural, functional, and spatial information, amino acid conservation, physicochemical variation, residue mobility, and thermodynamic stability) performed at Invitae indicates that this missense variant is not expected to disrupt BRCA2 protein function. This variant has not been reported in the literature in individuals with BRCA2-related conditions. This variant is not present in population databases (ExAC no frequency). This sequence change replaces cysteine with tyrosine at codon 546 of the BRCA2 protein (p.Cys546Tyr). The cysteine residue is moderately conserved and there is a large physicochemical difference between cysteine and tyrosine.